The following is an entry in ClinVar:

ClinVar aggregate classification (germline): Uncertain significance (1 of 4 stars; one submission).

Submission:

GeneDx
Classification: Uncertain significance. Last evaluated: 2026-04-07. Review status: criteria provided, single submitter. Criteria: GeneDx Variant Classification Process June 2021. Collection method: clinical testing. Allele origin: germline.
Comment: Not observed at significant frequency in large population cohorts (gnomAD); Missense variants in this gene are a common cause of disease and they are underrepresented in the general population; In silico analysis supports that this missense variant has a deleterious effect on protein structure/function; Has not been previously published as pathogenic or benign to our knowledge

NM_030662.4(MAP2K2):c.311A>G (p.His104Arg)

Gene: MAP2K2 (mitogen-activated protein kinase kinase 2; minus strand). Cytogenetic location: 19p13.3.
Variant type: single nucleotide variant.
Coding change: c.311A>G on transcript NM_030662.4 (MANE Select); coding-DNA position 311, A replaced by G.
Protein change: p.His104Arg; replaces histidine 104 with arginine.
Molecular consequence: missense variant.
Genome position (GRCh38, 1-based): chr19:4,110,648, T>C on the plus strand (A>G on the coding strand, the complement: MAP2K2 is on the minus strand). VCF-style: chr19-4110648-T-C. GRCh37 (hg19) VCF-style: chr19-4110646-T-C.
Other names: c.311A>G, p.His104Arg (NM_001440688.1); short protein forms H104R.
Identifiers: ClinVar variation 5016760 (VCV005016760.1).